The following continues an entry in ClinVar:

NM_007294.4(BRCA1):c.5207T>C (p.Val1736Ala)

Gene: BRCA1. ClinVar aggregate classification (germline): Pathogenic. Pathogenic (1).

Submissions 9 to 14 of 27:

All of Us Research Program, National Institutes of Health
Classification: Pathogenic for Breast-ovarian cancer, familial, susceptibility to, 1. Last evaluated: 2023-12-18. Review status: criteria provided, single submitter. Criteria: ACMG Guidelines, 2015. Collection method: clinical testing. Allele origin: germline. Inheritance: Autosomal dominant inheritance. Observed: 2 variant alleles, 2 heterozygotes. Not counted in ClinVar's aggregate classification.
Comment: This missense variant replaces valine with alanine at codon 1736 in the BRCT1 domain of the BRCA1 protein. Computational prediction tool suggests that this variant may have deleterious impact on protein structure and function (internally defined REVEL score threshold >=0.7, PMID: 27666373). Splice site prediction tools suggest that this variant may not impact RNA splicing. Functional studies have shown that this variant causes reduced stability and function of the BRCA1 protein (PMID: 17308087, 20378548, 20516115, 23269703). This variant has been reported to be loss-of-function in a haploid cell proliferation assay (PMID: 30209399). This variant has been reported in individuals and families affected with breast, ovarian, and peritoneal cancer (PMID: 22476429, 23269703, 25452441, 26219728, 26786923). It has been shown that this variant segregates with disease in several individuals from two unrelated families (PMID: 23269703). This variant has not been identified in the general population by the Genome Aggregation Database (gnomAD). Based on the available evidence, this variant is classified as Likely Pathogenic.

This study involves interpretation of variants in research participants for the purpose of population health screening. Participant phenotype was not available at the time of variant classification. Additional details can be found in publication PMID: 35346344, PMCID: PMC8962531

Ambry Genetics
Classification: Pathogenic for Hereditary cancer-predisposing syndrome. Last evaluated: 2023-10-20. Review status: criteria provided, single submitter. Criteria: Ambry Variant Classification Scheme 2023. Collection method: clinical testing. Allele origin: germline. Not counted in ClinVar's aggregate classification.
Comment: The p.V1736A pathogenic mutation (also known as c.5207T>C), located in coding exon 18 of the BRCA1 gene, results from a T to C substitution at nucleotide position 5207. The valine at codon 1736 is replaced by alanine, an amino acid with similar properties. This variant has been detected in trans with a BRCA1 truncating mutation in an individual reported to have clinical features of Fanconi anemia and severe toxicity to chemotherapy (Domchek SM et al. Cancer Discov. 2013 Apr;3(4):399-405). The authors also reported the p.V1736A alteration in several other breast and/or ovarian cancer families, and reported that it was found to segregate with disease with a combined odds ratio (OR) of 234:1 in favor of p.V1736A being pathogenic (Domchek SM et al. Cancer Discov. 2013 Apr;3(4):399-405). This variant is considered to be rare based on population cohorts in the Genome Aggregation Database (gnomAD). One study found that this nucleotide substitution is non-functional in a high throughput genome editing haploid cell survival assay (Findlay GM et al. Nature. 2018 Oct;562(7726):217-222). This variant has also been reported to demonstrate impaired transcriptional activity (Carvalho MA et al. Cancer Res. 2007 Feb;67(4):1494-501; Lee MS et al. Cancer Res. 2010 Jun;70(12):4880-90; Fernandes VC et al. J Biol Chem. 2019 Apr;294(15):5980-5992); although in assays of phosphopeptide binding and sensitivity the variant behaved as neutral and intermediate, respectively (Lee MS et al. Cancer Res. 2010 Jun;70(12):4880-90). Studies of drug response reported the variant as having "unclear" findings with regard to cisplatin sensitivity, but reported the alteration as deleterious based on Olaparib response and HRR activity (Bouwman P et al. Cancer Discov. 2013 Oct;3(10):1142-55; Bouwman P et al. Clin Cancer Res. 2020 Sep;26(17):4559-4568). Furthermore, several evolutionary and structurally based in silico models predict that p.V1736A is deleterious (Mirkovic N et al. Cancer Res. 2004 Jun;64(11):3790-7; Abkevich VJ. et al. Med. Genet. 2004 Jul;41(7):492-507; Karchin R et al. PLoS Comput. Biol. 2007 Feb;3(2):e26; Iversen ES et al. Cancer Epidemiol. Biomarkers Prev. 2011 Jun;20(6):1078-88). Of note, this alteration is also designated as 5326T>C in published literature. Based on the available evidence, this alteration is classified as a disease-causing mutation. However, because this variant is identified in one or more patients with features of Fanconi anemia, it may be hypomorphic, and thus, carriers of this variant and their families may present with reduced risks, and not with the typical clinical characteristics of a high-risk pathogenic BRCA1 alteration. As risk estimates are unknown at this time, clinical correlation is advised.

GeneDx
Classification: Pathogenic. Last evaluated: 2023-08-23. Review status: criteria provided, single submitter. Criteria: GeneDx Variant Classification Process June 2021. Collection method: clinical testing. Allele origin: germline. Affected: yes. Not counted in ClinVar's aggregate classification.
Comment: Observed in individuals with breast and/or ovarian cancer, with several studied tumors demonstrating loss of the wild-type allele (Akbari 2011, Hondow 2011, Domchek 2013, Finch 2016, Schenkel 2016, Thompson 2016); Published functional studies demonstrate a damaging effect: reduced protein stability, homologous recombination activity, transcriptional activation, and cell survival (Carvalho 2007, Karchin 2007, Lee 2010, Domchek 2013, Findlay 2018, Bouwman 2020); In silico analysis supports that this missense variant has a deleterious effect on protein structure/function; Not observed at significant frequency in large population cohorts (gnomAD); Also known as 5236T>C; This variant is associated with the following publications: (PMID: 25782689, 23867111, 26884819, 27836010, 26048987, 15172985, 32719484, 32782288, 32546644, 15235020, 21447777, 17308087, 17924331, 26786923, 26219728, 21702907, 21965345, 20378548, 20516115, 25472942, 25748678, 26913838, 27376475, 28283652, 27760710, 27742776, 23580280, 18992264, 15004537, 16677609, 29133208, 29901183, 29435075, 28781887, 29712865, 30209399, 17305420, 30765603, 32123317, 33087888, 35196514, 23269703, 25348405, 28888541, 34308104, 35665744)

Institute for Biomarker Research, Medical Diagnostic Laboratories, L.L.C.
Classification: Likely pathogenic for Hereditary breast ovarian cancer syndrome. Last evaluated: 2022-08-18. Review status: criteria provided, single submitter. Criteria: ACMG Guidelines, 2015. Collection method: clinical testing. Allele origin: germline. Not counted in ClinVar's aggregate classification.

Women's Health and Genetics/Laboratory Corporation of America, LabCorp
Classification: Pathogenic for Hereditary breast ovarian cancer syndrome. Last evaluated: 2021-07-01. Review status: criteria provided, single submitter. Criteria: LabCorp Variant Classification Summary - May 2015. Collection method: clinical testing. Allele origin: germline. Not counted in ClinVar's aggregate classification.
Comment: Variant summary: BRCA1 c.5207T>C (p.Val1736Ala) results in a non-conservative amino acid change located in the BRCT domain of the encoded protein sequence. Four of five in-silico tools predict a damaging effect of the variant on protein function. The variant was absent in 353058 control chromosomes (gnomAD and publications). c.5207T>C has been reported in the literature in individuals affected with a range of cancers including breast, ovarian, fallopian and/or peritoneal cancers (e.g. Carvalho_2007, Domchek_2013, Akbari_2011, Thompson_2016, Shimelis_2017, Judkins_2005, Straub_2018, Arvai_2019). It was reported in a biallelic state with another potentially pathogenic BRCA1 variant (c.2457delC, legacy name: 2576delC) in a proband with early onset papillary serous ovarian carcinoma, microcephaly, and developmental delay with hypersensitivity to chemotherapy (Domchek_2013). The transmission of the co-occurring BRCA1 variant in this family is traceable to the paternal lineage, whereas the variant of interest (c.5207T>C) was transmitted maternally. At least one individual, positive for the c.5207T>C variant in the maternal lineage was reportedly unaffected with any cancer at the age of 51. Additionally, Loss of Heterozygosity (LOH) studies have demonstrated a loss of the wild-type allele in at least 2 of the 5 tumors analyzed in these kindreds. The data as presented precludes unequivocal confirmation of cosegregation of the variant among multiple affected and its absence among unaffected individuals in the families reported. A follow-up correspondence with Dr. Susan Domchek, however, assured us that the analysis was performed on a large number of pedigrees that demonstrated strong cosegregation with disease. At least one report, Akbari_2011, classifies this variant as Benign, citing the report by Easton_2007. However, when taking cosegregation data from Domcheck_2013 into account, this variant was predicted to be clearly pathogenic (posterior probability of pathogenicity 0.999, Vallee_2016). Multiple independent experimental functional studies reporting this variant have demonstrated: 1.) Reduced localization of BRCA1 fragments containing this variant to double stranded breaks (DSB), 2.) Abolished interaction of BRCA1 fragments bearing this variant with RAP80, a BRCT interacting protein, 3) Moderately impaired homology directed DSB repair, 4.) Altered binding to the BRCT phosphopeptide binding domain, and 5.) Markedly decreased transcriptional activity of the mutant BRCA1 constructs. Although it is not clear whether the results and conclusions drawn from these in-vitro studies are applicable to the mechanism and presentation of disease, the convergence of results obtained from multiple independent functional assays are supportive of a hypomorphic and damaging effect of this variant on the BRCA1 gene product. Twelve other ClinVar submitters (evaluation after 2014) cite the variant as pathogenic/likely pathogenic. Some of these submitters provide overlapping evidences utilized in the context of this evaluation. We have observed this variant at an approximate frequency of 0.03% in our tested population and have followed its classification for 6 years (2014-2020) since its initial identification in a patient tested at our laboratory. In over five years since its initial evaluation, we have not observed any additional evidence supporting a non-pathogenic outcome. Therefore, based on the evidence outlined above, the variant was classified as pathogenic.

Mayo Clinic Laboratories, Mayo Clinic
Classification: Pathogenic. Last evaluated: 2020-04-19. Review status: criteria provided, single submitter. Criteria: ACMG Guidelines, 2015. Collection method: clinical testing. Allele origin: germline. Observed: 1 variant allele. Not counted in ClinVar's aggregate classification.
Comment: PS3, PM2, PM3, PP1_Strong, PP5